The following is an entry in ClinVar:

NM_152703.5(SAMD9L):c.2059T>A (p.Phe687Ile)

Gene: SAMD9L (sterile alpha motif domain containing 9 like; minus strand). Cytogenetic location: 7q21.2.
Variant type: single nucleotide variant.
Coding change: c.2059T>A on transcript NM_152703.5 (MANE Select); coding-DNA position 2059, T replaced by A.
Protein change: p.Phe687Ile; replaces phenylalanine 687 with isoleucine.
Molecular consequence: missense variant.
Genome position (GRCh38, 1-based): chr7:93,133,913, A>T on the plus strand (T>A on the coding strand, the complement: SAMD9L is on the minus strand). VCF-style: chr7-93133913-A-T. GRCh37 (hg19) VCF-style: chr7-92763226-A-T.
Other names: c.2059T>A (NM_152703.3); c.2059T>A, p.Phe687Ile (NM_001303496.3, NM_001303497.3, NM_001303498.3 and 5 more transcripts); short protein forms F687I.
Identifiers: ClinVar variation 3949760 (VCV003949760.2).
Genomic context (GRCh38, chr7:93,133,913, plus strand): 5'-AAGAATAGTTTTCAGAAGAAAAATAGAAGTTCCACCAGGATACTTTGCCACCTCGATAAA[A>T]GTGTTCTTCTTTTGATTTCTTAAACTCCAGGAATTTAGATTTGTCTTTCTCGATGTCTGT-3'
Protein context (NP_689916.2, residues 677-697): LEFKKSKEEH[Phe687Ile]YRGGKVSWWN

ClinVar aggregate classification (germline): Uncertain significance. Review status: criteria provided, multiple submitters, no conflicts (2 of 4 stars). 2 submissions from 2 submitters: Uncertain significance (2). Last evaluated 2026-03-19.

Conditions:
Inborn genetic diseases. Identifiers: MedGen C0950123, MeSH D030342.

gnomAD v4.1: 1 of 1,613,866 alleles (0.000062%); highest among the groups gnomAD compares: Non-Finnish European, 0.000085%; no homozygotes.

Submissions (2):

GeneDx
Classification: Uncertain significance. Last evaluated: 2026-03-19. Review status: criteria provided, single submitter. Criteria: GeneDx Variant Classification Process June 2021. Collection method: clinical testing. Allele origin: germline.
Comment: Not observed at significant frequency in large population cohorts (gnomAD); In silico analysis supports that this missense variant has a deleterious effect on protein structure/function; Has not been previously published as pathogenic or benign to our knowledge

Ambry Genetics
Classification: Uncertain significance for Inborn genetic diseases. Last evaluated: 2025-03-18. Review status: criteria provided, single submitter. Criteria: Ambry Variant Classification Scheme 2023. Collection method: clinical testing. Allele origin: germline.
Comment: The p.F687I variant (also known as c.2059T>A), located in coding exon 1 of the SAMD9L gene, results from a T to A substitution at nucleotide position 2059. The phenylalanine at codon 687 is replaced by isoleucine, an amino acid with highly similar properties. This amino acid position is conserved. In addition, this alteration is predicted to be deleterious by in silico analysis. Based on the available evidence, the clinical significance of this variant remains unclear.